The following is an entry in ClinVar:

NM_020366.4(RPGRIP1):c.2619T>C (p.His873=)

Gene: RPGRIP1 (RPGR interacting protein 1; plus strand). Cytogenetic location: 14q11.2.
Variant type: single nucleotide variant.
Coding change: c.2619T>C on transcript NM_020366.4 (MANE Select); coding-DNA position 2619, T replaced by C.
Protein change: p.His873=; no amino-acid change (histidine 873 retained).
Molecular consequence: synonymous variant. On other transcripts: intron variant (4).
Genome position (GRCh38, 1-based): chr14:21,326,082, T>C. VCF-style: chr14-21326082-T-C. GRCh37 (hg19) VCF-style: chr14-21794241-T-C.
Other names: c.1545T>C, p.His515= (NM_001377948.1); c.796+1357T>C (NM_001377949.1); c.689-1541T>C (NM_001377523.1, NM_001377950.1); c.191-1541T>C (NM_001377951.1).
Identifiers: ClinVar variation 4986804 (VCV004986804.1).

ClinVar aggregate classification (germline): Likely benign (1 of 4 stars; one submission).

Conditions:
RPGRIP1-related disorder. Also called: RPGRIP1-related condition.

gnomAD v4.1: 8 of 1,613,516 alleles (0.0005%); highest among the groups gnomAD compares: Non-Finnish European, 0.00059%; no homozygotes.

Submission:

PreventionGenetics, part of Exact Sciences
Classification: Likely benign for RPGRIP1-related condition. Last evaluated: 2026-05-22. Review status: criteria provided, single submitter. Criteria: ACMG Guidelines, 2015. Collection method: clinical testing. Allele origin: germline.
Comment: This variant is classified as likely benign based on ACMG/AMP sequence variant interpretation guidelines (Richards et al. 2015 PMID: 25741868, with internal and published modifications).